The following is an entry in ClinVar:

ClinVar aggregate classification (germline): Uncertain significance (1 of 4 stars; one submission).

Allele frequency attached by ClinVar (database versions not stated): TOPMed below 0.00001; gnomAD 0.00001.
gnomAD v4.1: 1 of 1,613,506 alleles (0.000062%); highest among the groups gnomAD compares: Non-Finnish European, 0.000085%; no homozygotes.

Submission:

Labcorp Genetics (formerly Invitae), Labcorp
Classification: Uncertain significance. Last evaluated: 2019-04-08. Review status: criteria provided, single submitter. Criteria: Invitae Variant Classification Sherloc (09022015). Collection method: clinical testing. Allele origin: germline.
Comment: This sequence change replaces valine with isoleucine at codon 116 of the RETREG1 protein (p.Val116Ile). The valine residue is moderately conserved and there is a small physicochemical difference between valine and isoleucine. This variant is not present in population databases (ExAC no frequency). This variant has not been reported in the literature in individuals with RETREG1-related conditions. Algorithms developed to predict the effect of missense changes on protein structure and function are either unavailable or do not agree on the potential impact of this missense change (SIFT: "Tolerated"; PolyPhen-2: "Possibly Damaging"; Align-GVGD: "Class C0"). In summary, the available evidence is currently insufficient to determine the role of this variant in disease. Therefore, it has been classified as a Variant of Uncertain Significance.

NM_001034850.3(RETREG1):c.346G>A (p.Val116Ile)

Gene: RETREG1 (reticulophagy regulator 1; minus strand). Cytogenetic location: 5p15.1.
Variant type: single nucleotide variant.
Coding change: c.346G>A on transcript NM_001034850.3 (MANE Select); coding-DNA position 346, G replaced by A.
Protein change: p.Val116Ile; replaces valine 116 with isoleucine.
Molecular consequence: missense variant.
Genome position (GRCh38, 1-based): chr5:16,572,077, C>T on the plus strand (G>A on the coding strand, the complement: RETREG1 is on the minus strand). VCF-style: chr5-16572077-C-T. GRCh37 (hg19) VCF-style: chr5-16572186-C-T.
Other names: short protein forms V116I.
Identifiers: ClinVar variation 847486 (VCV000847486.9), dbSNP rs1430621502, ClinGen allele CA359292492.